The following is an entry in ClinVar:

ClinVar aggregate classification (germline): Uncertain significance. Review status: criteria provided, multiple submitters, no conflicts (2 of 4 stars). 3 submissions from 3 submitters: Uncertain significance (2). 1 of the submissions does not count toward it. Last evaluated 2024-09-03.

Conditions:
Hereditary cancer-predisposing syndrome. Also called: Hereditary Cancer Syndrome; Hereditary neoplastic syndrome; Neoplastic Syndromes, Hereditary; Tumor predisposition. Identifiers: Orphanet 140162, MedGen C0027672, MeSH D009386, MONDO:0015356.
Bloom syndrome (BLM). Also called: Bloom-Torre-Machacek syndrome. Identifiers: Orphanet 125, MedGen C0005859, MONDO:0008876, OMIM 210900.

Allele frequency attached by ClinVar (database versions not stated): TOPMed below 0.00001; gnomAD 0.00001.
gnomAD v4.1: 10 of 1,614,100 alleles (0.00062%); highest among the groups gnomAD compares: African/African-American, 0.0027%; no homozygotes.

Submissions (3):

Labcorp Genetics (formerly Invitae), Labcorp
Classification: Uncertain significance for Bloom syndrome. Last evaluated: 2024-09-03. Review status: criteria provided, single submitter. Criteria: Invitae Variant Classification Sherloc (09022015). Collection method: clinical testing. Allele origin: germline.
Comment: This sequence change replaces isoleucine, which is neutral and non-polar, with threonine, which is neutral and polar, at codon 1377 of the BLM protein (p.Ile1377Thr). This variant is not present in population databases (gnomAD no frequency). This variant has not been reported in the literature in individuals affected with BLM-related conditions. ClinVar contains an entry for this variant (Variation ID: 454150). An algorithm developed to predict the effect of missense changes on protein structure and function outputs the following: PolyPhen-2: "Benign". The threonine amino acid residue is found in multiple mammalian species, which suggests that this missense change does not adversely affect protein function. In summary, the available evidence is currently insufficient to determine the role of this variant in disease. Therefore, it has been classified as a Variant of Uncertain Significance.

Ambry Genetics
Classification: Uncertain significance for Hereditary cancer-predisposing syndrome. Last evaluated: 2023-12-24. Review status: criteria provided, single submitter. Criteria: Ambry Variant Classification Scheme 2023. Collection method: clinical testing. Allele origin: germline.
Comment: The p.I1377T variant (also known as c.4130T>C), located in coding exon 21 of the BLM gene, results from a T to C substitution at nucleotide position 4130. The isoleucine at codon 1377 is replaced by threonine, an amino acid with similar properties. This amino acid position is poorly conserved in available vertebrate species. In addition, this alteration is predicted to be tolerated by in silico analysis. Since supporting evidence is limited at this time, the clinical significance of this alteration remains unclear.

Natera, Inc.
Classification: Uncertain significance for Bloom syndrome. Last evaluated: 2020-07-15. Review status: no assertion criteria provided. Collection method: clinical testing. Allele origin: germline. Not counted in ClinVar's aggregate classification.

NM_000057.4(BLM):c.4130T>C (p.Ile1377Thr)

Gene: BLM (BLM RecQ like helicase; plus strand). Cytogenetic location: 15q26.1.
Variant type: single nucleotide variant.
Coding change: c.4130T>C on transcript NM_000057.4 (MANE Select); coding-DNA position 4130, T replaced by C.
Protein change: p.Ile1377Thr; replaces isoleucine 1377 with threonine.
Molecular consequence: missense variant.
Genome position (GRCh38, 1-based): chr15:90,815,155, T>C. VCF-style: chr15-90815155-T-C. GRCh37 (hg19) VCF-style: chr15-91358385-T-C.
Other names: c.4130T>C, p.Ile1377Thr (NM_001287246.2); c.3737T>C, p.Ile1246Thr (NM_001287247.2); c.3005T>C, p.Ile1002Thr (NM_001287248.2); short protein forms I1377T, I1002T, I1246T.
Identifiers: ClinVar variation 454150 (VCV000454150.15), dbSNP rs1555425416, ClinGen allele CA393852241.
Genomic context (GRCh38, chr15:90,815,155, plus strand): 5'-ATTTCAGGGGGTCTGCCACATGTAGAAAGATATCTTCCAAAACGAAATCCTCCAGCATCA[T>C]TGGATCCAGTTCAGCCTCACATACTTCTCAAGCGACATCAGGAGCCAATAGCAAATTGGG-3'
Protein context (NP_000048.1, residues 1367-1387): ISSKTKSSSI[Ile1377Thr]GSSSASHTSQ